The following is an entry in ClinVar:

ClinVar aggregate classification (germline): Pathogenic/Likely pathogenic. Review status: criteria provided, multiple submitters, no conflicts (2 of 4 stars). 9 submissions from 9 submitters: Pathogenic (3); Likely pathogenic (5). 1 of the submissions does not count toward it. Last evaluated 2026-01-25.

Conditions:
Inherited phaeochromocytoma and paraganglioma excluding NF1.
Gastrointestinal stromal tumor. Also called: Gastrointestinal stromal tumor, somatic; Gastrointestinal stroma tumor. Identifiers: Orphanet 44890, MedGen C0238198, MeSH D046152, MONDO:0011719, OMIM 606764, HP:0100723.
Pheochromocytoma. Also called: MAX-Related Hereditary Paraganglioma-Pheochromocytoma Syndrome. Identifiers: Orphanet 29072, MedGen C0031511, MONDO:0008233, OMIM 171300, HP:0002666.
Pheochromocytoma/paraganglioma syndrome 4. Also called: Paragangliomas 4; PARAGANGLIOMA, FAMILIAL MALIGNANT; PARAGANGLIOMAS, HEREDITARY EXTRAADRENAL; PHEOCHROMOCYTOMA, FAMILIAL EXTRAADRENAL; SDHB-Related Hereditary Paraganglioma-Pheochromocytoma Syndrome; CAROTID BODY TUMORS AND MULTIPLE EXTRAADRENAL PHEOCHROMOCYTOMAS. Identifiers: Orphanet 29072, MedGen C1861848, MONDO:0007273, OMIM 115310.
Hereditary cancer-predisposing syndrome. Also called: Tumor predisposition; Neoplastic Syndromes, Hereditary; Hereditary Cancer Syndrome; Hereditary neoplastic syndrome. Identifiers: Orphanet 140162, MedGen C0027672, MeSH D009386, MONDO:0015356.
Hereditary pheochromocytoma and paraganglioma. Also called: Hereditary Paraganglioma-Pheochromocytoma Syndromes; Hereditary paragangliomas and pheochromocytomas; Hereditary pheochromocytoma-paraganglioma. Identifiers: Orphanet 29072, MedGen C4274332, MONDO:0017366.

Allele frequency attached by ClinVar (database versions not stated): gnomAD exomes below 0.00001 and 0.00001; TOPMed below 0.00001; ExAC 0.00001; gnomAD 0.00001.
gnomAD v4.1: 6 of 1,612,260 alleles (0.00037%); highest among the groups gnomAD compares: Non-Finnish European, 0.00051%; no homozygotes.

Submissions (10):

Labcorp Genetics (formerly Invitae), Labcorp
Classification: Pathogenic for Gastrointestinal stromal tumor; Pheochromocytoma/paraganglioma syndrome 4; Pheochromocytoma. Last evaluated: 2026-01-25. Review status: criteria provided, single submitter. Criteria: Invitae Variant Classification Sherloc (09022015). Collection method: clinical testing. Allele origin: germline.
Comment: This sequence change replaces glycine, which is neutral and non-polar, with serine, which is neutral and polar, at codon 96 of the SDHB protein (p.Gly96Ser). This variant also falls at the last nucleotide of exon 3, which is part of the consensus splice site for this exon. This variant is present in population databases (rs587782243, gnomAD 0.003%). This missense change has been observed in individuals with clinical features of hereditary paraganglioma and/or pheochromocytoma syndrome (PMID: 2308387, 19802898, 24436918, 28374168, 29386252; external communications, internal data). ClinVar contains an entry for this variant (Variation ID: 142111). An algorithm developed to predict the effect of missense changes on protein structure and function (PolyPhen-2) suggests that this variant is likely to be disruptive. Variants that disrupt the consensus splice site are a relatively common cause of aberrant splicing (PMID: 17576681, 9536098). Studies have shown that this missense change is associated with inconclusive levels of altered splicing (internal data). For these reasons, this variant has been classified as Pathogenic.

GeneDx
Classification: Likely pathogenic. Last evaluated: 2025-11-19. Review status: criteria provided, single submitter. Criteria: GeneDx Variant Classification Process June 2021. Collection method: clinical testing. Allele origin: germline. Affected: yes.
Comment: Not observed at significant frequency in large population cohorts (gnomAD); Alters the last nucleotide of the exon and is predicted to destroy the splice donor site and result in aberrant splicing, although in the absence of functional evidence the actual effect of this sequence change is unknown; This variant is associated with the following publications: (PMID: 31579262, 24436918, 28973655, 29386252, 25972245, 26273102, 28152038, 28374168, 19802898, 23083876, 33300499, 32741965, 34906457, 31275557)

NHS Central & South Genomic Laboratory Hub
Classification: Pathogenic for Inherited phaeochromocytoma and paraganglioma excluding NF1. Last evaluated: 2025-10-21. Review status: criteria provided, single submitter. Criteria: ACMG Guidelines, 2015. Collection method: clinical testing. Allele origin: germline. Affected: yes.

Myriad Genetics, Inc.
Classification: Likely pathogenic for Pheochromocytoma/paraganglioma syndrome 4. Last evaluated: 2024-02-08. Review status: criteria provided, single submitter. Criteria: Myriad Autosomal Dominant, Autosomal Recessive and X-Linked Classification Criteria (2023). Collection method: clinical testing. Allele origin: unknown.
Comment: This variant is considered likely pathogenic. This variant has been reported in multiple individuals with clinical features of gene-specific disease [PMID: 23083876, 24436918, 30201732, 34906457, 29386252].

All of Us Research Program, National Institutes of Health
Classification: Likely pathogenic for Hereditary pheochromocytoma and paraganglioma. Last evaluated: 2023-11-14. Review status: criteria provided, single submitter. Criteria: ACMG Guidelines, 2015. Collection method: clinical testing. Allele origin: germline. Inheritance: Autosomal dominant inheritance. Observed: 1 variant allele, 1 heterozygote.
Comment: The c.286G>A (p.Gly96Ser) variant in the SDHB gene is located on the exon 3 and is predicted to replace glycine with serine at codon 96 (p.Gly96Ser). The variant has been reported in multiple individuals with paragangliomas/pheochromocytoma (PMID: 34906457, 19802898, 24436918, 28374168) and 2 unrelated individuals with renal cancer (PMID: 23083876, 28973655). The variant is predicted to cause splicing donor loss (SpliceAI delta score: 0.77), resulting in alternative splicing and disrupted protein product. Loss-of-function variants of SDHB are known to be pathogenic (PMID: 16258955, 19389109, 28490599). The variant is reported in ClinVar (ID: 142111). The variant is rare in the general population according to gnomAD (3/251244). Computational prediction algorithms suggest a deleterious impact for this variant (REVEL score 0.967). Therefore, the c.286G>A (p.Gly96Ser) variant of SDHB has been classified as likely pathogenic.

This study involves interpretation of variants in research participants for the purpose of population health screening. Participant phenotype was not available at the time of variant classification. Additional details can be found in publication PMID: 35346344, PMCID: PMC8962531

Ambry Genetics
Classification: Pathogenic for Hereditary cancer-predisposing syndrome. Last evaluated: 2023-08-03. Review status: criteria provided, single submitter. Criteria: Ambry Variant Classification Scheme 2023. Collection method: clinical testing. Allele origin: germline.
Comment: The p.G96S pathogenic mutation (also known as c.286G>A), located in coding exon 3 of the SDHB gene, results from a G to A substitution at nucleotide position 286. This change occurs in the last base pair of coding exon 3, which makes it likely to have some effect on normal mRNA splicing. In addition to potential splicing impact, this alteration changes the glycine at codon 96 to serine, an amino acid with similar properties. This variant has been identified in multiple affected individuals with SDHB-associated tumors (Jochmanova I et al. J. Cancer Res. Clin. Oncol., 2017 Aug;143:1421-1435; Sridhara SK et al. J Neurol Surg B Skull Base, 2013 Aug;74:236-40; Ricketts CJ et al. J Urol. 2012 Dec;188(6):2063-71; Ricketts CJ et al. Hum Mutat. 2010 Jan;31(1):41-51; Ambry internal data). This nucleotide position is highly conserved in available vertebrate species. In silico splice site analysis predicts that this alteration will weaken the native splice donor site; however, direct evidence is insufficient at this time (Ambry internal data). In addition, this alteration is predicted to be deleterious by in silico analysis. Based on the supporting evidence, this alteration is interpreted as a disease-causing mutation.

Baylor Genetics
Classification: Likely pathogenic for Gastrointestinal stromal tumor. Last evaluated: 2022-09-01. Review status: criteria provided, single submitter. Criteria: ACMG Guidelines, 2015. Collection method: clinical testing. Allele origin: unknown.

Revvity Omics, Revvity
Classification: Likely pathogenic. Last evaluated: 2021-05-27. Review status: criteria provided, single submitter. Criteria: ACMG Guidelines, 2015. Collection method: clinical testing. Allele origin: germline.

Dr. Peter K. Rogan Lab, Western University
No classification provided (evidence only). Condition: Melanoma. Review status: no classification provided. Collection method: in vitro. Allele origin: not applicable. Functional consequence: skipped exon. Not counted in ClinVar's aggregate classification.

Section on Medical Neuroendocrinolgy, National Institutes of Health
Classification: Likely pathogenic for Hereditary pheochromocytoma and paraganglioma. Review status: no assertion criteria provided. Collection method: research. Allele origin: germline. Affected: yes. Not counted in ClinVar's aggregate classification.

Literature cited by the submitters: PubMed 2308387 (cited by Labcorp Genetics (formerly Invitae), Labcorp); PubMed 19802898 (cited by Labcorp Genetics (formerly Invitae), Labcorp and All of Us Research Program, National Institutes of Health); PubMed 24436918 (cited by 4 submitters); PubMed 28374168 (cited by 3 submitters); PubMed 29386252 (cited by Labcorp Genetics (formerly Invitae), Labcorp and Myriad Genetics, Inc.); PubMed 17576681 (cited by Labcorp Genetics (formerly Invitae), Labcorp); PubMed 9536098 (cited by Labcorp Genetics (formerly Invitae), Labcorp); PubMed 23083876 (cited by Myriad Genetics, Inc. and All of Us Research Program, National Institutes of Health); PubMed 30201732 (cited by Myriad Genetics, Inc.); PubMed 34906457 (cited by Myriad Genetics, Inc. and All of Us Research Program, National Institutes of Health); PubMed 16258955 (cited by All of Us Research Program, National Institutes of Health); PubMed 19389109 (cited by All of Us Research Program, National Institutes of Health); PubMed 28490599 (cited by All of Us Research Program, National Institutes of Health); PubMed 28973655 (cited by All of Us Research Program, National Institutes of Health).

NM_003000.3(SDHB):c.286G>A (p.Gly96Ser)

Gene: SDHB (succinate dehydrogenase complex iron sulfur subunit B; minus strand). Cytogenetic location: 1p36.13.
Variant type: single nucleotide variant.
Coding change: c.286G>A on transcript NM_003000.3 (MANE Select); coding-DNA position 286, G replaced by A.
Protein change: p.Gly96Ser; replaces glycine 96 with serine.
Molecular consequence: missense variant.
Genome position (GRCh38, 1-based): chr1:17,033,060, C>T on the plus strand (G>A on the coding strand, the complement: SDHB is on the minus strand). VCF-style: chr1-17033060-C-T. GRCh37 (hg19) VCF-style: chr1-17359555-C-T.
Other names: short protein forms G96S.
Identifiers: ClinVar variation 142111 (VCV000142111.36), dbSNP rs587782243, ClinGen allele CA015701.